The following is an entry in ClinVar:

ClinVar aggregate classification (germline): Uncertain significance (1 of 4 stars; one submission).

Allele frequency attached by ClinVar (database versions not stated): gnomAD 0.00001.
gnomAD v4.1: 1 of 1,613,808 alleles (0.000062%); highest among the groups gnomAD compares: Non-Finnish European, 0.000085%; no homozygotes.

Submission:

Labcorp Genetics (formerly Invitae), Labcorp
Classification: Uncertain significance. Last evaluated: 2022-06-20. Review status: criteria provided, single submitter. Criteria: Invitae Variant Classification Sherloc (09022015). Collection method: clinical testing. Allele origin: germline.
Comment: This variant is present in population databases (no rsID available, gnomAD 0.007%). This sequence change replaces threonine, which is neutral and polar, with isoleucine, which is neutral and non-polar, at codon 224 of the ANGPT1 protein (p.Thr224Ile). This variant has not been reported in the literature in individuals affected with ANGPT1-related conditions. Algorithms developed to predict the effect of missense changes on protein structure and function are either unavailable or do not agree on the potential impact of this missense change (SIFT: "Deleterious"; PolyPhen-2: "Benign"; Align-GVGD: "Class C0"). In summary, the available evidence is currently insufficient to determine the role of this variant in disease. Therefore, it has been classified as a Variant of Uncertain Significance.

NM_001146.5(ANGPT1):c.671C>T (p.Thr224Ile)

Gene: ANGPT1 (angiopoietin 1; minus strand). Cytogenetic location: 8q23.1.
Variant type: single nucleotide variant.
Coding change: c.671C>T on transcript NM_001146.5 (MANE Select); coding-DNA position 671, C replaced by T.
Protein change: p.Thr224Ile; replaces threonine 224 with isoleucine.
Molecular consequence: missense variant.
Genome position (GRCh38, 1-based): chr8:107,322,033, G>A on the plus strand (C>T on the coding strand, the complement: ANGPT1 is on the minus strand). VCF-style: chr8-107322033-G-A. GRCh37 (hg19) VCF-style: chr8-108334261-G-A.
Other names: c.671C>T, p.Thr224Ile (NM_001199859.3); c.71C>T, p.Thr24Ile (NM_001314051.2); short protein forms T24I, T224I.
Identifiers: ClinVar variation 1490953 (VCV001490953.8), dbSNP rs1162715628, ClinGen allele CA372034084.
Genomic context (GRCh38, chr8:107,322,033, plus strand): 5'-TTGTTGGTGGTAGCTCTGTTTAATTGCTTTTCCAGCTCCTGGATTATATATGTTTGACGA[G>A]TAACCAAGCCTTGAAGGTTCTCTTTCTCTTCCTTTAAGGTGTCCAACTCTTCCTTGTGTT-3'
Protein context (NP_001137.2, residues 214-234): EEKENLQGLV[Thr224Ile]RQTYIIQELE